The following is an entry in ClinVar:

NM_005548.3(KARS1):c.1326G>C (p.Arg442Ser)

Gene: KARS1 (lysyl-tRNA synthetase 1; minus strand). Cytogenetic location: 16q23.1.
Variant type: single nucleotide variant.
Coding change: c.1326G>C on transcript NM_005548.3 (MANE Select); coding-DNA position 1326, G replaced by C.
Protein change: p.Arg442Ser; replaces arginine 442 with serine.
Molecular consequence: missense variant.
Genome position (GRCh38, 1-based): chr16:75,631,180, C>G on the plus strand (G>C on the coding strand, the complement: KARS1 is on the minus strand). VCF-style: chr16-75631180-C-G. GRCh37 (hg19) VCF-style: chr16-75665078-C-G.
Other names: c.1410G>C, p.Arg470Ser (NM_001130089.2); c.858G>C, p.Arg286Ser (NM_001378148.1); short protein forms R286S, R442S, R470S.
Identifiers: ClinVar variation 2499929 (VCV002499929.1), dbSNP rs2507556174, ClinGen allele CA396811415.
Genomic context (GRCh38, chr16:75,631,180, plus strand): 5'-CATTCAGCACCAGATGAGGACATGTACAAGAAGGCAGGGCCTTCTCACCTTGTCAAGGAG[C>G]CTGGCTGTGGTCCGAGGTGGAGGGCATTCAACAGCTTTTGCCACACAGATATCATCAAGA-3'
Protein context (NP_005539.1, residues 432-452): VECPPPRTTA[Arg442Ser]LLDKLVGEFL

ClinVar aggregate classification (germline): Uncertain significance (1 of 4 stars; one submission).

Submission:

GeneDx
Classification: Uncertain significance. Last evaluated: 2022-10-24. Review status: criteria provided, single submitter. Criteria: GeneDx Variant Classification Process June 2021. Collection method: clinical testing. Allele origin: germline. Affected: yes.
Comment: Not observed at significant frequency in large population cohorts (gnomAD); In silico analysis supports that this missense variant has a deleterious effect on protein structure/function; Has not been previously published as pathogenic or benign to our knowledge